The following is an entry in ClinVar:

NM_001206927.2(DNAH8):c.1351G>A (p.Val451Ile)

Gene: DNAH8 (dynein axonemal heavy chain 8; plus strand). Cytogenetic location: 6p21.2.
Variant type: single nucleotide variant.
Coding change: c.1351G>A on transcript NM_001206927.2 (MANE Select); coding-DNA position 1351, G replaced by A.
Protein change: p.Val451Ile; replaces valine 451 with isoleucine.
Molecular consequence: missense variant.
Genome position (GRCh38, 1-based): chr6:38,750,533, G>A. VCF-style: chr6-38750533-G-A. GRCh37 (hg19) VCF-style: chr6-38718309-G-A.
Other names: c.700G>A, p.Val234Ile (NM_001371.4); short protein forms V451I, V234I.
Identifiers: ClinVar variation 2722542 (VCV002722542.3), dbSNP rs1765350054, ClinGen allele CA363985474.

ClinVar aggregate classification (germline): Uncertain significance (1 of 4 stars; one submission).

Conditions:
Primary ciliary dyskinesia. Also called: Ciliary dyskinesia. Identifiers: Orphanet 244, MedGen C0008780, MONDO:0016575, HP:0012265.

Allele frequency attached by ClinVar (database versions not stated): gnomAD exomes below 0.00001; gnomAD 0.00001.
gnomAD v4.1: 3 of 1,611,846 alleles (0.00019%); highest among the groups gnomAD compares: Admixed American, 0.0017%; no homozygotes.

Submission:

Labcorp Genetics (formerly Invitae), Labcorp
Classification: Uncertain significance for Primary ciliary dyskinesia. Last evaluated: 2025-08-18. Review status: criteria provided, single submitter. Criteria: Invitae Variant Classification Sherloc (09022015). Collection method: clinical testing. Allele origin: germline.
Comment: This sequence change replaces valine, which is neutral and non-polar, with isoleucine, which is neutral and non-polar, at codon 451 of the DNAH8 protein (p.Val451Ile). This variant is not present in population databases (gnomAD no frequency). This variant has not been reported in the literature in individuals affected with DNAH8-related conditions. ClinVar contains an entry for this variant (Variation ID: 2722542). Experimental studies and prediction algorithms are not available or were not evaluated, and the functional significance of this variant is currently unknown. In summary, the available evidence is currently insufficient to determine the role of this variant in disease. Therefore, it has been classified as a Variant of Uncertain Significance.